The following is an entry in ClinVar:

NM_001170700.3(DTHD1):c.2500C>G (p.Gln834Glu)

Gene: DTHD1 (death domain containing 1; plus strand). Cytogenetic location: 4p14.
Variant type: single nucleotide variant.
Coding change: c.2500C>G on transcript NM_001170700.3 (MANE Select); coding-DNA position 2500, C replaced by G.
Protein change: p.Gln834Glu; replaces glutamine 834 with glutamic acid.
Molecular consequence: missense variant. On other transcripts: non-coding transcript variant (2).
Genome position (GRCh38, 1-based): chr4:36,343,603, C>G. VCF-style: chr4-36343603-C-G. GRCh37 (hg19) VCF-style: chr4-36345225-C-G.
Other names: c.2125C>G (NM_001170700.1); c.1630C>G, p.Gln544Glu (NM_001136536.5); c.1509C>G, p.Phe503Leu (NM_001378435.1); short protein forms Q544E, Q834E, F503L.
Identifiers: ClinVar variation 2793166 (VCV002793166.4), dbSNP rs369707707, ClinGen allele CA2885748.
Genomic context (GRCh38, chr4:36,343,603, plus strand): 5'-CTCTCAGAAGAAAATGCTGAGTCTCTTTCCTCAACTCTCCCTCTGCGCCGTAGCACCATT[C>G]AGCTCATCAAACTCAAGAACCCTGATGATCTCACAGAACAGATCCACGAGTTTCTTTGCT-3'
Protein context (NP_001164171.2, residues 824-844): STLPLRRSTI[Gln834Glu]LIKLKNPDDL

ClinVar aggregate classification (germline): Uncertain significance. Review status: criteria provided, multiple submitters, no conflicts (2 of 4 stars). 2 submissions from 2 submitters: Uncertain significance (2). Last evaluated 2025-05-16.

Allele frequency attached by ClinVar (database versions not stated): TOPMed below 0.00001; gnomAD 0.00001; gnomAD exomes 0.00001; ExAC 0.00005; ESP Exome Variant Server 0.00022.
gnomAD v4.1: 4 of 1,551,546 alleles (0.00026%); highest among the groups gnomAD compares: Non-Finnish European, 0.00035%; no homozygotes.

Submissions (2):

Ambry Genetics
Classification: Uncertain significance. Last evaluated: 2025-05-16. Review status: criteria provided, single submitter. Criteria: Ambry Variant Classification Scheme 2023. Collection method: clinical testing. Allele origin: germline.

Labcorp Genetics (formerly Invitae), Labcorp
Classification: Uncertain significance. Last evaluated: 2024-12-24. Review status: criteria provided, single submitter. Criteria: Invitae Variant Classification Sherloc (09022015). Collection method: clinical testing. Allele origin: germline.
Comment: This sequence change replaces glutamine, which is neutral and polar, with glutamic acid, which is acidic and polar, at codon 544 of the DTHD1 protein (p.Gln544Glu). This variant is present in population databases (rs369707707, gnomAD 0.002%). This variant has not been reported in the literature in individuals affected with DTHD1-related conditions. ClinVar contains an entry for this variant (Variation ID: 2793166). An algorithm developed to predict the effect of missense changes on protein structure and function outputs the following: PolyPhen-2: "Benign". The glutamic acid amino acid residue is found in multiple mammalian species, which suggests that this missense change does not adversely affect protein function. In summary, the available evidence is currently insufficient to determine the role of this variant in disease. Therefore, it has been classified as a Variant of Uncertain Significance.